The following is an entry in ClinVar:

ClinVar aggregate classification (germline): Uncertain significance. Review status: criteria provided, multiple submitters, no conflicts (2 of 4 stars). 2 submissions from 2 submitters: Uncertain significance (2). Last evaluated 2023-08-10.

Conditions:
Orofaciodigital syndrome type 6 (OFD6). Also called: OROFACIODIGITAL SYNDROME VI; OFDS VI; POLYDACTYLY, CLEFT LIP/PALATE OR LINGUAL LUMP, AND PSYCHOMOTOR RETARDATION; VARADI SYNDROME; VARADI-PAPP SYNDROME; Oral-facial-digital syndrome type 6. Identifiers: Orphanet 2754, MedGen C2745997, MONDO:0010176, OMIM 277170.
Joubert syndrome 17 (JBTS17). Identifiers: Orphanet 475, MedGen C3553264, MONDO:0013824, OMIM 614615.

Allele frequency attached by ClinVar (database versions not stated): TOPMed 0.00001; gnomAD 0.00002 and 0.00003; 1000 Genomes Project 30x 0.00031.
gnomAD v4.1: 4 of 1,551,182 alleles (0.00026%); highest among the groups gnomAD compares: African/African-American, 0.0055%; no homozygotes.

Submissions (2):

Labcorp Genetics (formerly Invitae), Labcorp
Classification: Uncertain significance. Last evaluated: 2023-08-10. Review status: criteria provided, single submitter. Criteria: Invitae Variant Classification Sherloc (09022015). Collection method: clinical testing. Allele origin: germline.
Comment: In summary, the available evidence is currently insufficient to determine the role of this variant in disease. Therefore, it has been classified as a Variant of Uncertain Significance. Advanced modeling of protein sequence and biophysical properties (such as structural, functional, and spatial information, amino acid conservation, physicochemical variation, residue mobility, and thermodynamic stability) performed at Invitae indicates that this missense variant is not expected to disrupt CPLANE1 protein function. ClinVar contains an entry for this variant (Variation ID: 1359971). This variant has not been reported in the literature in individuals affected with CPLANE1-related conditions. This variant is present in population databases (no rsID available, gnomAD 0.02%). This sequence change replaces tyrosine, which is neutral and polar, with aspartic acid, which is acidic and polar, at codon 450 of the CPLANE1 protein (p.Tyr450Asp).

Fulgent Genetics
Classification: Uncertain significance for Orofaciodigital syndrome type 6; Joubert syndrome 17. Last evaluated: 2022-02-17. Review status: criteria provided, single submitter. Criteria: ACMG Guidelines, 2015. Collection method: clinical testing. Allele origin: unknown.

NM_001384732.1(CPLANE1):c.1348T>G (p.Tyr450Asp)

Gene: CPLANE1 (ciliogenesis and planar polarity effector complex subunit 1; minus strand). Cytogenetic location: 5p13.2.
Variant type: single nucleotide variant.
Coding change: c.1348T>G on transcript NM_001384732.1 (MANE Select); coding-DNA position 1348, T replaced by G.
Protein change: p.Tyr450Asp; replaces tyrosine 450 with aspartic acid.
Molecular consequence: missense variant.
Genome position (GRCh38, 1-based): chr5:37,227,591, A>C on the plus strand (T>G on the coding strand, the complement: CPLANE1 is on the minus strand). VCF-style: chr5-37227591-A-C. GRCh37 (hg19) VCF-style: chr5-37227693-A-C.
Other names: c.1348T>G, p.Tyr450Asp (NM_023073.4); short protein forms Y450D.
Identifiers: ClinVar variation 1359971 (VCV001359971.7), dbSNP rs1204605921, ClinGen allele CA359504194.